The following is an entry in ClinVar:

NM_002524.5(NRAS):c.97G>C (p.Asp33His)

Gene: NRAS (NRAS proto-oncogene, GTPase; minus strand). Cytogenetic location: 1p13.2.
Variant type: single nucleotide variant.
Coding change: c.97G>C on transcript NM_002524.5 (MANE Select); coding-DNA position 97, G replaced by C.
Protein change: p.Asp33His; replaces aspartic acid 33 with histidine.
Molecular consequence: missense variant.
Genome position (GRCh38, 1-based): chr1:114,716,064, C>G on the plus strand (G>C on the coding strand, the complement: NRAS is on the minus strand). VCF-style: chr1-114716064-C-G. GRCh37 (hg19) VCF-style: chr1-115258685-C-G.
Other names: short protein forms D33H.
Identifiers: ClinVar variation 5038185 (VCV005038185.1).
Genomic context (GRCh38, chr1:114,716,064, plus strand): 5'-CAAGTGAGAGACAGGATCAGGTCAGCGGGCTACCACTGGGCCTCACCTCTATGGTGGGAT[C>G]ATATTCATCTACAAAGTGGTTCTGGATTAGCTGGATTGTCAGTGCGCTTTTCCCAACACC-3'
Protein context (NP_002515.1, residues 23-43): LIQNHFVDEY[Asp33His]PTIEDSYRKQ

ClinVar aggregate classification (germline): Uncertain significance (1 of 4 stars; one submission).

Conditions:
Noonan syndrome 6 (NS6). Also called: NRAS-Related Noonan Syndrome. Identifiers: Orphanet 648, MedGen C2750732, MONDO:0013186, OMIM 613224.

Submission:

MVZ Medizinische Genetik Mainz
Classification: Uncertain significance for Noonan syndrome 6. Last evaluated: 2026-10-12. Review status: criteria provided, single submitter. Criteria: UK Practice Guidelines For Variant Classification V4 01 2020. Collection method: clinical testing. Allele origin: germline. Inheritance: Autosomal dominant inheritance. Affected: yes. Observed: 1 variant allele.
Comment: ACMG Criteria: PM1,PM2_SUP,PP3